The following is an entry in ClinVar:

NM_001395413.1(POR):c.1191G>A (p.Ser397=)

Gene: POR (cytochrome p450 oxidoreductase; plus strand). Cytogenetic location: 7q11.23.
Variant type: single nucleotide variant.
Coding change: c.1191G>A on transcript NM_001395413.1 (MANE Select); coding-DNA position 1191, G replaced by A.
Protein change: p.Ser397=; no amino-acid change (serine 397 retained).
Molecular consequence: synonymous variant.
Genome position (GRCh38, 1-based): chr7:75,984,910, G>A. VCF-style: chr7-75984910-G-A. GRCh37 (hg19) VCF-style: chr7-75614228-G-A.
Other names: c.1191G>A, p.Ser397= (NM_001367562.3, NM_001382657.2, NM_001382658.3 and 2 more transcripts); c.1245G>A, p.Ser415= (NM_001382655.3).
Identifiers: ClinVar variation 618841 (VCV000618841.45), dbSNP rs372401863, ClinGen allele CA4304021.

ClinVar aggregate classification (germline): Conflicting classifications of pathogenicity. Review status: criteria provided, conflicting classifications (1 of 4 stars). 5 submissions from 5 submitters: Uncertain significance (1); Likely benign (4). Last evaluated 2026-01-24.

Conditions:
Congenital adrenal hyperplasia due to cytochrome P450 oxidoreductase deficiency. Also called: DISORDERED STEROIDOGENESIS DUE TO POR DEFICIENCY. Identifiers: Orphanet 95699, MedGen C1860042, MONDO:0013310, OMIM 613571.

Allele frequency attached by ClinVar (database versions not stated): gnomAD 0.00010; 1000 Genomes Project 30x 0.00016; ESP Exome Variant Server 0.00016; gnomAD exomes 0.00016 and 0.00028; TOPMed 0.00019; 1000 Genomes Project 0.00020; ExAC 0.00027.
gnomAD v4.1: 259 of 1,608,532 alleles (0.016%); highest among the groups gnomAD compares: Middle Eastern, 0.26%; no homozygotes.

Submissions (5):

Labcorp Genetics (formerly Invitae), Labcorp
Classification: Likely benign for Congenital adrenal hyperplasia due to cytochrome P450 oxidoreductase deficiency. Last evaluated: 2026-01-24. Review status: criteria provided, single submitter. Criteria: Invitae Variant Classification Sherloc (09022015). Collection method: clinical testing. Allele origin: germline.

CeGaT Center for Human Genetics Tuebingen
Classification: Likely benign. Last evaluated: 2025-08-01. Review status: criteria provided, single submitter. Criteria: CeGaT Center For Human Genetics Tuebingen Variant Classification Criteria Version 2. Collection method: clinical testing. Allele origin: germline. Affected: yes. Observed: 2 variant alleles.
Comment: POR: BP4, BP7

Blueprint Genetics
Classification: Likely benign. Last evaluated: 2024-08-22. Review status: criteria provided, single submitter. Criteria: ACMG Guidelines, 2015. Collection method: clinical testing. Allele origin: germline.

ARUP Laboratories, Molecular Genetics and Genomics, ARUP Laboratories
Classification: Likely benign. Last evaluated: 2017-10-18. Review status: criteria provided, single submitter. Criteria: ARUP Molecular Germline Variant Investigation Process. Collection method: clinical testing. Allele origin: germline.

Illumina Laboratory Services, Illumina
Classification: Uncertain significance for Congenital adrenal hyperplasia due to cytochrome P450 oxidoreductase deficiency. Last evaluated: 2017-04-28. Review status: criteria provided, single submitter. Criteria: ICSL Variant Classification Criteria 13 December 2019. Collection method: clinical testing. Allele origin: germline.
Comment: This variant was observed as part of a predisposition screen in an ostensibly healthy population. A literature search was performed for the gene, cDNA change, and amino acid change (where applicable). Publications were found based on this search. However, the evidence from the literature, in combination with allele frequency data from public databases where available, was not sufficient to rule this variant in or out of causing disease. Therefore, this variant is classified as a variant of unknown significance.

Literature cited by the submitters: PubMed 21843508 (cited by Illumina Laboratory Services, Illumina).